The following is an entry in ClinVar:

NM_000382.3(ALDH3A2):c.1234G>A (p.Gly412Arg)

Gene: ALDH3A2 (aldehyde dehydrogenase 3 family member A2; plus strand). Cytogenetic location: 17p11.2.
Variant type: single nucleotide variant.
Coding change: c.1234G>A on transcript NM_000382.3 (MANE Select); coding-DNA position 1234, G replaced by A.
Protein change: p.Gly412Arg; replaces glycine 412 with arginine.
Molecular consequence: missense variant. On other transcripts: intron variant (1).
Genome position (GRCh38, 1-based): chr17:19,671,747, G>A. VCF-style: chr17-19671747-G-A. GRCh37 (hg19) VCF-style: chr17-19575060-G-A.
Other names: c.1234G>A, p.Gly412Arg (NM_001031806.2, NM_001369136.1, NM_001369137.2 and 2 more transcripts); c.655G>A, p.Gly219Arg (NM_001369148.2); c.1208-3811G>A (NM_001369146.2); c.1234G>A (NM_000382.2); short protein forms G412R, G219R.
Identifiers: ClinVar variation 2137941 (VCV002137941.3), dbSNP rs778115541, ClinGen allele CA8443052.

ClinVar aggregate classification (germline): Uncertain significance. Review status: criteria provided, multiple submitters, no conflicts (2 of 4 stars). 3 submissions from 3 submitters: Uncertain significance (3). Last evaluated 2025-06-05.

Conditions:
Inborn genetic diseases. Identifiers: MedGen C0950123, MeSH D030342.

Allele frequency attached by ClinVar (database versions not stated): gnomAD exomes below 0.00001; ExAC 0.00002; TOPMed 0.00001.
gnomAD v4.1: 5 of 1,614,076 alleles (0.00031%); highest among the groups gnomAD compares: East Asian, 0.0022%; no homozygotes.

Submissions (3):

Ambry Genetics
Classification: Uncertain significance for Inborn genetic diseases. Last evaluated: 2025-06-05. Review status: criteria provided, single submitter. Criteria: Ambry Variant Classification Scheme 2023. Collection method: clinical testing. Allele origin: germline.

Women's Health and Genetics/Laboratory Corporation of America, LabCorp
Classification: Uncertain significance. Last evaluated: 2024-08-12. Review status: criteria provided, single submitter. Criteria: LabCorp Variant Classification Summary - May 2015. Collection method: clinical testing. Allele origin: germline.
Comment: Variant summary: ALDH3A2 c.1234G>A (p.Gly412Arg) results in a non-conservative amino acid change located in the Aldehyde dehydrogenase domain (IPR015590) of the encoded protein sequence. Five of five in-silico tools predict a damaging effect of the variant on protein function. The variant allele was found at a frequency of 8e-06 in 251446 control chromosomes (gnomAD). c.1234G>A has been reported in the literature in a homozygous individual affected with Sjogren-Larsson Syndrome (Sillen_1998). These data indicate that the variant may be associated with disease. To our knowledge, no experimental evidence demonstrating an impact on protein function has been reported. The following publication has been ascertained in the context of this evaluation (PMID: 9829906). ClinVar contains an entry for this variant (Variation ID: 2137941). Based on the evidence outlined above, the variant was classified as VUS-possibly pathogenic.

Labcorp Genetics (formerly Invitae), Labcorp
Classification: Uncertain significance. Last evaluated: 2022-01-07. Review status: criteria provided, single submitter. Criteria: Invitae Variant Classification Sherloc (09022015). Collection method: clinical testing. Allele origin: germline.
Comment: This sequence change replaces glycine, which is neutral and non-polar, with arginine, which is basic and polar, at codon 412 of the ALDH3A2 protein (p.Gly412Arg). This variant is present in population databases (rs778115541, gnomAD 0.006%). This missense change has been observed in individual(s) with Sjogren-Larsson syndrome (PMID: 9829906). Advanced modeling of protein sequence and biophysical properties (such as structural, functional, and spatial information, amino acid conservation, physicochemical variation, residue mobility, and thermodynamic stability) performed at Invitae indicates that this missense variant is expected to disrupt ALDH3A2 protein function. In summary, the available evidence is currently insufficient to determine the role of this variant in disease. Therefore, it has been classified as a Variant of Uncertain Significance.

Literature cited by the submitters: PubMed 9829906 (cited by Women's Health and Genetics/Laboratory Corporation of America, LabCorp and Labcorp Genetics (formerly Invitae), Labcorp).